The following is an entry in ClinVar:

ClinVar aggregate classification (germline): Uncertain significance (1 of 4 stars; one submission).

Allele frequency attached by ClinVar (database versions not stated): gnomAD exomes below 0.00001; gnomAD 0.00001; ExAC 0.00002.
gnomAD v4.1: 6 of 1,613,980 alleles (0.00037%); highest among the groups gnomAD compares: South Asian, 0.0011%; no homozygotes.

Submission:

Labcorp Genetics (formerly Invitae), Labcorp
Classification: Uncertain significance. Last evaluated: 2025-08-12. Review status: criteria provided, single submitter. Criteria: Invitae Variant Classification Sherloc (09022015). Collection method: clinical testing. Allele origin: germline.
Comment: This sequence change replaces arginine, which is basic and polar, with cysteine, which is neutral and slightly polar, at codon 199 of the GSN protein (p.Arg199Cys). This variant is present in population databases (rs747805751, gnomAD 0.002%). This variant has not been reported in the literature in individuals affected with GSN-related conditions. ClinVar contains an entry for this variant (Variation ID: 1965614). Invitae Evidence Modeling of protein sequence and biophysical properties (such as structural, functional, and spatial information, amino acid conservation, physicochemical variation, residue mobility, and thermodynamic stability) indicates that this missense variant is not expected to disrupt GSN protein function with a negative predictive value of 80%. In summary, the available evidence is currently insufficient to determine the role of this variant in disease. Therefore, it has been classified as a Variant of Uncertain Significance.

NM_198252.3(GSN):c.442C>T (p.Arg148Cys)

Gene: GSN (gelsolin; plus strand). Cytogenetic location: 9q33.2.
Variant type: single nucleotide variant.
Coding change: c.442C>T on transcript NM_198252.3 (MANE Select); coding-DNA position 442, C replaced by T.
Protein change: p.Arg148Cys; replaces arginine 148 with cysteine.
Molecular consequence: missense variant. On other transcripts: 5 prime UTR variant (1).
Genome position (GRCh38, 1-based): chr9:121,310,774, C>T. VCF-style: chr9-121310774-C-T. GRCh37 (hg19) VCF-style: chr9-124073052-C-T.
Other names: c.442C>T, p.Arg148Cys (NM_001353062.1, NM_001127662.2, NM_001127664.2 and 10 more transcripts); c.475C>T, p.Arg159Cys (NM_001353063.2, NM_001353064.2, NM_001353065.2 and 13 more transcripts); c.595C>T, p.Arg199Cys (NM_000177.5); c.550C>T, p.Arg184Cys (NM_001127663.2); c.493C>T, p.Arg165Cys (NM_001258029.2); c.466C>T, p.Arg156Cys (NM_001258030.2); c.514C>T, p.Arg172Cys (NM_001353076.2); c.-213C>T (NM_001353078.2); short protein forms R184C, R148C, R199C, R156C, R159C, R165C, R172C.
Identifiers: ClinVar variation 1965614 (VCV001965614.5), dbSNP rs747805751, ClinGen allele CA5220893.